The following is an entry in ClinVar:

ClinVar aggregate classification (germline): Uncertain significance (1 of 4 stars; one submission).

Conditions:
Marshall-Smith syndrome (MRSHSS). Identifiers: Orphanet 561, MedGen C0265211, MONDO:0011244, OMIM 602535.
Malan overgrowth syndrome (MALNS). Also called: MALAN SYNDROME; NFIX-Related Malan Syndrome; Sotos syndrome 2. Identifiers: Orphanet 420179, MedGen C3553660, MONDO:0013885, OMIM 614753.

Submission:

Labcorp Genetics (formerly Invitae), Labcorp
Classification: Uncertain significance for Sotos syndrome 2; Marshall-Smith syndrome. Last evaluated: 2019-03-08. Review status: criteria provided, single submitter. Criteria: Invitae Variant Classification Sherloc (09022015). Collection method: clinical testing. Allele origin: germline.
Comment: This sequence change replaces arginine with leucine at codon 46 of the NFIX protein (p.Arg46Leu). The arginine residue is moderately conserved and there is a moderate physicochemical difference between arginine and leucine. This variant is not present in population databases (ExAC no frequency). This variant has been observed in individuals affected with an NFIX-related condition (PMID: 28475857, 29897170). This variant has also been reported as c.113G>T (p.Arg38Leu). Algorithms developed to predict the effect of missense changes on protein structure and function are either unavailable or do not agree on the potential impact of this missense change (SIFT: "Deleterious"; PolyPhen-2: "Not Available"; Align-GVGD: "Class C0"). This variant disrupts the p.Arg46 amino acid residue in NFIX. Other variant(s) that disrupt this residue have been determined to be pathogenic (PMID: 29897170, 26200704). This suggests that this residue is clinically-significant, and that variants that disrupt this residue are likely to be disease-causing. In summary, the available evidence is currently insufficient to determine the role of this variant in disease. Therefore, it has been classified as a Variant of Uncertain Significance.

Literature cited by the submitters: PubMed 29897170; PubMed 28475857; PubMed 26200704.

NM_001365902.3(NFIX):c.113G>T (p.Arg38Leu)

Gene: NFIX (nuclear factor I X; plus strand). Cytogenetic location: 19p13.13.
Variant type: single nucleotide variant.
Coding change: c.113G>T on transcript NM_001365902.3 (MANE Select); coding-DNA position 113, G replaced by T.
Protein change: p.Arg38Leu; replaces arginine 38 with leucine.
Molecular consequence: missense variant. On other transcripts: 5 prime UTR variant (1).
Genome position (GRCh38, 1-based): chr19:13,025,106, G>T. VCF-style: chr19-13025106-G-T. GRCh37 (hg19) VCF-style: chr19-13135920-G-T.
Other names: c.113G>T, p.Arg38Leu (NM_001365982.2, NM_002501.4); c.-29G>T (NM_001365983.2); c.110G>T, p.Arg37Leu (NM_001365984.2, NM_001365985.2); c.89G>T, p.Arg30Leu (NM_001378404.1, NM_001271044.3); c.161G>T, p.Arg54Leu (NM_001378405.1); c.137G>T, p.Arg46Leu (NM_001271043.2); short protein forms R30L, R46L, R37L, R38L, R54L.
Identifiers: ClinVar variation 843697 (VCV000843697.1), dbSNP rs2013223468, ClinGen allele CA404312973.